The following is an entry in ClinVar:

NM_000268.4(NF2):c.1527C>A (p.Phe509Leu)

Gene: NF2 (NF2, moesin-ezrin-radixin like (MERLIN) tumor suppressor; plus strand). Cytogenetic location: 22q12.2.
Variant type: single nucleotide variant.
Coding change: c.1527C>A on transcript NM_000268.4 (MANE Select); coding-DNA position 1527, C replaced by A.
Protein change: p.Phe509Leu; replaces phenylalanine 509 with leucine.
Molecular consequence: missense variant. On other transcripts: non-coding transcript variant (1), intron variant (1).
Genome position (GRCh38, 1-based): chr22:29,678,276, C>A. VCF-style: chr22-29678276-C-A. GRCh37 (hg19) VCF-style: chr22-30074265-C-A.
Other names: c.1413C>A, p.Phe471Leu (NM_001407053.1, NM_001407056.1); c.1404C>A, p.Phe468Leu (NM_001407054.1, NM_001407058.1, NM_181829.3); c.1401C>A, p.Phe467Leu (NM_001407055.1, NM_181828.3); c.1392C>A, p.Phe464Leu (NM_001407057.1, NM_001407059.1); c.1527C>A, p.Phe509Leu (NM_001407060.1, NM_001407066.1, NM_016418.5 and 2 more transcripts); c.1269C>A, p.Phe423Leu (NM_001407062.1); c.1278C>A, p.Phe426Leu (NM_001407063.1, NM_001407064.1, NM_181830.3 and 1 more transcripts); c.993C>A, p.Phe331Leu (NM_001407065.1); and 2 more; short protein forms F423L, F426L, F432L, F464L, F467L, F468L, F471L, F509L.
Identifiers: ClinVar variation 3072476 (VCV003072476.2), dbSNP rs2067026804, ClinGen allele CA411149708.
Genomic context (GRCh38, chr22:29,678,276, plus strand): 5'-ACCGTTGCCTCCTGACATACCAAGCTTCAACCTCATTGGTGACAGCCTGTCTTTCGACTT[C>A]AAAGATACTGACATGAAGCGGCTTTCCATGGAGATAGAGAAAGAAAAGTATGTAGCCCCC-3'
Protein context (NP_000259.1, residues 499-519): NLIGDSLSFD[Phe509Leu]KDTDMKRLSM

ClinVar aggregate classification (germline): Uncertain significance (1 of 4 stars; one submission).

Conditions:
Neurofibromatosis, type 2 (SWNV). Also called: BILATERAL ACOUSTIC NEUROFIBROMATOSIS; NF2-Related Schwannomatosis; SCHWANNOMATOSIS, VESTIBULAR. Identifiers: Orphanet 637, MedGen C0027832, MONDO:0007039, OMIM 101000. Disease mechanism: loss of function.

Allele frequency attached by ClinVar (database versions not stated): gnomAD exomes below 0.00001; TOPMed below 0.00001.
gnomAD v4.1: 2 of 1,614,088 alleles (0.00012%); highest among the groups gnomAD compares: Non-Finnish European, 0.00017%; no homozygotes.

Submission:

All of Us Research Program, National Institutes of Health
Classification: Uncertain significance for Neurofibromatosis, type 2. Last evaluated: 2024-08-13. Review status: criteria provided, single submitter. Criteria: ACMG Guidelines, 2015. Collection method: clinical testing. Allele origin: germline. Inheritance: Autosomal dominant inheritance. Observed: 2 variant alleles, 2 heterozygotes.
Comment: This missense variant replaces phenylalanine with leucine at codon 509 of the NF2 protein. Computational prediction suggests that this variant may not impact protein structure and function (internally defined REVEL score threshold <= 0.5, PMID: 27666373). To our knowledge, functional studies have not been reported for this variant. This variant has not been reported in individuals affected with NF2-related disorders in the literature. This variant has not been identified in the general population by the Genome Aggregation Database (gnomAD). The available evidence is insufficient to determine the role of this variant in disease conclusively. Therefore, this variant is classified as a Variant of Uncertain Significance.

This study involves interpretation of variants in research participants for the purpose of population health screening. Participant phenotype was not available at the time of variant classification. Additional details can be found in publication PMID: 35346344, PMCID: PMC8962531